The following is an entry in ClinVar:

ClinVar aggregate classification (germline): Likely pathogenic (1 of 4 stars; one submission).

Conditions:
Congenital stationary night blindness 1C. Also called: Night blindness, congenital stationary (complete), 1C, autosomal recessive. Identifiers: Orphanet 215, MedGen C2750747, MONDO:0013183, OMIM 613216.

Submission:

SN ONGC Dept of Genetics and Molecular biology Vision Research Foundation
Classification: Likely pathogenic for Congenital stationary night blindness 1C. Last evaluated: 2024-10-17. Review status: criteria provided, single submitter. Criteria: ACMG Guidelines, 2015. Collection method: research. Allele origin: biparental. Inheritance: Autosomal recessive inheritance. Affected: yes. Observed: 1 homozygote.
Comment: The p.(G833R) variant in GRM6 has been identified in an Indian study exhibiting an autosomal recessive inheritance pattern. This variant was found to segregate with the disease in both parents and was present in a heterozygous state in an unaffected sibling. Notably, it was absent in 100 screened control individuals.

NM_000843.4(GRM6):c.2497G>C (p.Gly833Arg)

Genes: GRM6 (glutamate metabotropic receptor 6; minus strand), ZNF454 (zinc finger protein 454; plus strand). Cytogenetic location: 5q35.3.
Variant type: single nucleotide variant.
Coding change: c.2497G>C on transcript NM_000843.4 (MANE Select); coding-DNA position 2497, G replaced by C.
Protein change: p.Gly833Arg; replaces glycine 833 with arginine.
Molecular consequence: missense variant.
Genome position (GRCh38, 1-based): chr5:178,981,794, C>G on the plus strand (G>C on the coding strand, the complement: GRM6 is on the minus strand). VCF-style: chr5-178981794-C-G. GRCh37 (hg19) VCF-style: chr5-178408795-C-G.
Other names: short protein forms G833R.
Identifiers: ClinVar variation 3363122 (VCV003363122.2).